The following is an entry in ClinVar:

ClinVar aggregate classification (germline): Uncertain significance (1 of 4 stars; one submission).

Conditions:
Muscular dystrophy-dystroglycanopathy (congenital with impaired intellectual development), type B, 2. Also called: Muscular dystrophy-dystroglycanopathy (congenital with intellectual disability), type B2; MUSCULAR DYSTROPHY, CONGENITAL, POMT2-RELATED. Identifiers: MedGen C3150416, MONDO:0013160, OMIM 613156.
Autosomal recessive limb-girdle muscular dystrophy type 2N. Also called: MUSCULAR DYSTROPHY-DYSTROGLYCANOPATHY, LIMB-GIRDLE, POMT2-RELATED; Muscular dystrophy-dystroglycanopathy (limb-girdle), type C, 2. Identifiers: Orphanet 206559, MedGen C3150418, MONDO:0013162, OMIM 613158.
Muscular dystrophy-dystroglycanopathy (congenital with brain and eye anomalies), type A2. Also called: MUSCULAR DYSTROPHY-DYSTROGLYCANOPATHY (CONGENITAL WITH BRAIN AND EYE ANOMALIES), TYPE A, 2; WALKER-WARBURG SYNDROME OR MUSCLE-EYE-BRAIN DISEASE, POMT2-RELATED. Identifiers: Orphanet 588, Orphanet 899, MedGen C3150411, MONDO:0013154, OMIM 613150.

gnomAD v4.1: 1 of 1,499,694 alleles (0.000067%); highest among the groups gnomAD compares: Non-Finnish European, 0.000091%; no homozygotes.

Submission:

Labcorp Genetics (formerly Invitae), Labcorp
Classification: Uncertain significance for Muscular dystrophy-dystroglycanopathy (congenital with impaired intellectual development), type B, 2; Muscular dystrophy-dystroglycanopathy (congenital with brain and eye anomalies), type A2; Autosomal recessive limb-girdle muscular dystrophy type 2N. Last evaluated: 2021-03-07. Review status: criteria provided, single submitter. Criteria: Invitae Variant Classification Sherloc (09022015). Collection method: clinical testing. Allele origin: germline.
Comment: In summary, the available evidence is currently insufficient to determine the role of this variant in disease. Therefore, it has been classified as a Variant of Uncertain Significance. Algorithms developed to predict the effect of missense changes on protein structure and function (SIFT, PolyPhen-2, Align-GVGD) all suggest that this variant is likely to be tolerated, but these predictions have not been confirmed by published functional studies and their clinical significance is uncertain. This variant has not been reported in the literature in individuals with POMT2-related conditions. This variant is not present in population databases (ExAC no frequency). This sequence change replaces isoleucine with leucine at codon 701 of the POMT2 protein (p.Ile701Leu). The isoleucine residue is moderately conserved and there is a small physicochemical difference between isoleucine and leucine.

NM_013382.7(POMT2):c.2101A>T (p.Ile701Leu)

Gene: POMT2 (protein O-mannosyltransferase 2; minus strand). Cytogenetic location: 14q24.3.
Variant type: single nucleotide variant.
Coding change: c.2101A>T on transcript NM_013382.7 (MANE Select); coding-DNA position 2101, A replaced by T.
Protein change: p.Ile701Leu; replaces isoleucine 701 with leucine.
Molecular consequence: missense variant.
Genome position (GRCh38, 1-based): chr14:77,278,440, T>A on the plus strand (A>T on the coding strand, the complement: POMT2 is on the minus strand). VCF-style: chr14-77278440-T-A. GRCh37 (hg19) VCF-style: chr14-77744783-T-A.
Other names: short protein forms I701L.
Identifiers: ClinVar variation 1473501 (VCV001473501.8), dbSNP rs146367996, ClinGen allele CA390513452.
Genomic context (GRCh38, chr14:77,278,440, plus strand): 5'-GCAGAGATGCTCACCTGTAGGCAGTTCCCAGGAGCAGGCTCAGGATTCCCGCCACATGTA[T>A]GCCCCTCGCCAGGGGCCATGAGGCCAAGCCCCAGGCACAGAGCCGCAGGAGGGTGTCCCA-3'
Protein context (NP_037514.2, residues 691-711): GLASWPLARG[Ile701Leu]HVAGILSLLL